The following is an entry in ClinVar:

ClinVar aggregate classification (germline): Uncertain significance (0 of 4 stars; one submission).

Submission:

Martin Pollak Laboratory,  Beth Israel Deaconess Medical Center
Classification: Uncertain significance. Review status: no assertion criteria provided. Collection method: not provided. Allele origin: unknown.
Comment: Lower UCa2+ group
ClinVar note: Converted during submission from unknown to Uncertain significance.

NM_003040.4(SLC4A2):c.3474C>T (p.Val1158=)

Gene: SLC4A2 (solute carrier family 4 member 2; plus strand). Cytogenetic location: 7q36.1.
Variant type: single nucleotide variant.
Coding change: c.3474C>T on transcript NM_003040.4 (MANE Select); coding-DNA position 3474, C replaced by T.
Protein change: p.Val1158=; no amino-acid change (valine 1158 retained).
Molecular consequence: synonymous variant.
Genome position (GRCh38, 1-based): chr7:151,076,015, C>T. VCF-style: chr7-151076015-C-T. GRCh37 (hg19) VCF-style: chr7-150773102-C-T.
Other names: c.3474C>T, p.Val1158= (NM_001199692.3); c.3447C>T, p.Val1149= (NM_001199693.1); c.3432C>T, p.Val1144= (NM_001199694.2).
Identifiers: ClinVar variation 64513 (VCV000064513.2), dbSNP rs387907522, ClinGen allele CA216315.
Genomic context (GRCh38, chr7:151,076,015, plus strand): 5'-GGCTCTTCCCAGCAGCAGGCTAGGGAGGAAGCTGGGCTCACCTGTCTCCGCCCCCCAGGT[C>T]CGGACCCTCCGTATGCACCTGTTCACGGCCCTGCAGCTGCTCTGCCTGGCCCTGCTCTGG-3'
Protein context (NP_003031.3, residues 1148-1168): HHPDVTYVKK[Val1158=]RTLRMHLFTA